The following is an entry in ClinVar:

ClinVar aggregate classification (germline): Uncertain significance (1 of 4 stars; one submission).

Conditions:
Myofibrillar myopathy 6. Identifiers: Orphanet 199340, MedGen C2751831, MONDO:0013061, OMIM 612954.
Dilated cardiomyopathy 1HH (CMD1HH). Identifiers: Orphanet 154, MedGen C3151293, MONDO:0013479, OMIM 613881.

Submission:

Labcorp Genetics (formerly Invitae), Labcorp
Classification: Uncertain significance for Dilated cardiomyopathy 1HH; Myofibrillar myopathy 6. Last evaluated: 2022-08-09. Review status: criteria provided, single submitter. Criteria: Invitae Variant Classification Sherloc (09022015). Collection method: clinical testing. Allele origin: germline.
Comment: This sequence change replaces lysine, which is basic and polar, with glutamic acid, which is acidic and polar, at codon 149 of the BAG3 protein (p.Lys149Glu). This variant is not present in population databases (gnomAD no frequency). In summary, the available evidence is currently insufficient to determine the role of this variant in disease. Therefore, it has been classified as a Variant of Uncertain Significance. Algorithms developed to predict the effect of missense changes on protein structure and function are either unavailable or do not agree on the potential impact of this missense change (SIFT: "Tolerated"; PolyPhen-2: "Possibly Damaging"; Align-GVGD: "Class C0"). ClinVar contains an entry for this variant (Variation ID: 1063047). This variant has not been reported in the literature in individuals affected with BAG3-related conditions.

NM_004281.4(BAG3):c.445A>G (p.Lys149Glu)

Gene: BAG3 (BAG cochaperone 3; plus strand). Cytogenetic location: 10q26.11.
Variant type: single nucleotide variant.
Coding change: c.445A>G on transcript NM_004281.4 (MANE Select); coding-DNA position 445, A replaced by G.
Protein change: p.Lys149Glu; replaces lysine 149 with glutamic acid.
Molecular consequence: missense variant.
Genome position (GRCh38, 1-based): chr10:119,670,115, A>G. VCF-style: chr10-119670115-A-G. GRCh37 (hg19) VCF-style: chr10-121429627-A-G.
Other names: short protein forms K149E.
Identifiers: ClinVar variation 1063047 (VCV001063047.9), dbSNP rs2134063528, ClinGen allele CA378295106.